The following is an entry in ClinVar:

ClinVar aggregate classification (germline): Conflicting classifications of pathogenicity. Review status: criteria provided, conflicting classifications (1 of 4 stars). 4 submissions from 4 submitters: Uncertain significance (1); Likely benign (3). Last evaluated 2024-07-02.

Conditions:
Leukodystrophy, hypomyelinating, 8, with or without oligodontia and/or hypogonadotropic hypogonadism. Also called: Endosteal sclerosis-cerebellar hypoplasia syndrome; Hypomyelinating leukodystrophy 8 with or without oligodontia and-or hypogonadotropic hypogonadism; LEUKODYSTROPHY, HYPOMYELINATING, 8, WITH HYPODONTIA AND HYPOGONADOTROPIC HYPOGONADISM. Identifiers: Orphanet 85186, Orphanet 88637, MedGen C3280644, MONDO:0013722, OMIM 614381.

Allele frequency attached by ClinVar (database versions not stated): gnomAD 0.00001; gnomAD exomes 0.00001; TOPMed 0.00001.
gnomAD v4.1: 24 of 1,614,042 alleles (0.0015%); highest among the groups gnomAD compares: Admixed American, 0.0017%; no homozygotes.

Submissions (4):

Blueprint Genetics
Classification: Likely benign. Last evaluated: 2024-07-02. Review status: criteria provided, single submitter. Criteria: ACMG Guidelines, 2015. Collection method: clinical testing. Allele origin: germline.

CeGaT Center for Human Genetics Tuebingen
Classification: Likely benign. Last evaluated: 2023-11-01. Review status: criteria provided, single submitter. Criteria: CeGaT Center For Human Genetics Tuebingen Variant Classification Criteria Version 2. Collection method: clinical testing. Allele origin: germline. Affected: yes. Observed: 2 variant alleles.
Comment: POLR3B: BP4, BP7

Labcorp Genetics (formerly Invitae), Labcorp
Classification: Likely benign. Last evaluated: 2022-10-27. Review status: criteria provided, single submitter. Criteria: Invitae Variant Classification Sherloc (09022015). Collection method: clinical testing. Allele origin: germline.

Illumina Laboratory Services, Illumina
Classification: Uncertain significance for Leukodystrophy, hypomyelinating, 8, with or without oligodontia and/or hypogonadotropic hypogonadism. Last evaluated: 2018-01-13. Review status: criteria provided, single submitter. Criteria: ICSL Variant Classification Criteria 13 December 2019. Collection method: clinical testing. Allele origin: germline.

NM_018082.6(POLR3B):c.780C>T (p.His260=)

Gene: POLR3B (RNA polymerase III subunit B; plus strand). Cytogenetic location: 12q23.3.
Variant type: single nucleotide variant.
Coding change: c.780C>T on transcript NM_018082.6 (MANE Select); coding-DNA position 780, C replaced by T.
Protein change: p.His260=; no amino-acid change (histidine 260 retained).
Molecular consequence: synonymous variant.
Genome position (GRCh38, 1-based): chr12:106,393,087, C>T. VCF-style: chr12-106393087-C-T. GRCh37 (hg19) VCF-style: chr12-106786865-C-T.
Other names: c.606C>T, p.His202= (NM_001160708.2).
Identifiers: ClinVar variation 880751 (VCV000880751.33), dbSNP rs937446537, ClinGen allele CA243149246.
Genomic context (GRCh38, chr12:106,393,087, plus strand): 5'-CTAGGCCATGGGTGTTGAGAGTGACCAGGAAATTGTGCAGATGATTGGAACAGAGGAGCA[C>T]GTGATGGCTGCATTTGGGCCCAGTCTGGAAGAGTGCCAGAAAGCTCAGATTTTCACACAG-3'
Protein context (NP_060552.4, residues 250-270): EIVQMIGTEE[His260=]VMAAFGPSLE